The following is an entry in ClinVar:

NM_024721.5(ZFHX4):c.5804G>C (p.Gly1935Ala)

Gene: ZFHX4 (zinc finger homeobox 4; plus strand). Cytogenetic location: 8q21.13.
Variant type: single nucleotide variant.
Coding change: c.5804G>C on transcript NM_024721.5 (MANE Select); coding-DNA position 5804, G replaced by C.
Protein change: p.Gly1935Ala; replaces glycine 1935 with alanine.
Molecular consequence: missense variant.
Genome position (GRCh38, 1-based): chr8:76,852,725, G>C. VCF-style: chr8-76852725-G-C. GRCh37 (hg19) VCF-style: chr8-77764961-G-C.
Other names: c.5726G>C, p.Gly1909Ala (NM_001410934.1); short protein forms G1909A, G1935A.
Identifiers: ClinVar variation 3772433 (VCV003772433.13).

ClinVar aggregate classification (germline): Uncertain significance (1 of 4 stars; one submission).

Submission:

CeGaT Center for Human Genetics Tuebingen
Classification: Uncertain significance. Last evaluated: 2025-02-01. Review status: criteria provided, single submitter. Criteria: CeGaT Center For Human Genetics Tuebingen Variant Classification Criteria Version 2. Collection method: clinical testing. Allele origin: germline. Affected: yes. Observed: 1 variant allele.
Comment: ZFHX4: PM2, BP4